The following is an entry in ClinVar:

ClinVar aggregate classification (germline): Benign/Likely benign. Review status: criteria provided, multiple submitters, no conflicts (2 of 4 stars). 2 submissions from 2 submitters: Benign (1); Likely benign (1). Last evaluated 2026-08-03.

Conditions:
Familial colorectal cancer type X. Identifiers: Orphanet 440437, MedGen C3896578, MONDO:0018604.

Submissions (2):

Myriad Genetics, Inc.
Classification: Benign for Familial colorectal cancer type X. Last evaluated: 2026-08-03. Review status: criteria provided, single submitter. Criteria: Myriad Autosomal Dominant, Autosomal Recessive and X-Linked Classification Criteria (2023). Collection method: clinical testing. Allele origin: unknown.
Comment: This variant is considered benign. This variant is a silent/synonymous amino acid change and it is not expected to impact splicing.

Ambry Genetics
Classification: Likely benign. Last evaluated: 2023-06-21. Review status: criteria provided, single submitter. Criteria: Ambry Variant Classification Scheme 2023. Collection method: clinical testing. Allele origin: germline.

NM_001023.4(RPS20):c.144C>G (p.Leu48=)

Gene: RPS20 (ribosomal protein S20; minus strand). Cytogenetic location: 8q12.1.
Variant type: single nucleotide variant.
Coding change: c.144C>G on transcript NM_001023.4 (MANE Select); coding-DNA position 144, C replaced by G.
Protein change: p.Leu48=; no amino-acid change (leucine 48 retained).
Molecular consequence: synonymous variant.
Genome position (GRCh38, 1-based): chr8:56,073,728, G>C on the plus strand (C>G on the coding strand, the complement: RPS20 is on the minus strand). VCF-style: chr8-56073728-G-C. GRCh37 (hg19) VCF-style: chr8-56986287-G-C.
Other names: c.144C>G, p.Leu48= (NM_001146227.3).
Identifiers: ClinVar variation 2625279 (VCV002625279.3), dbSNP rs2129213271, ClinGen allele CA461101598.